The following is an entry in ClinVar:

NM_000059.4(BRCA2):c.770A>C (p.Asn257Thr)

Gene: BRCA2 (BRCA2 DNA repair associated; plus strand). Cytogenetic location: 13q13.1.
Variant type: single nucleotide variant.
Coding change: c.770A>C on transcript NM_000059.4 (MANE Select); coding-DNA position 770, A replaced by C.
Protein change: p.Asn257Thr; replaces asparagine 257 with threonine.
Molecular consequence: missense variant.
Genome position (GRCh38, 1-based): chr13:32,331,007, A>C. VCF-style: chr13-32331007-A-C. GRCh37 (hg19) VCF-style: chr13-32905144-A-C.
Other names: short protein forms N257T.
Identifiers: ClinVar variation 142281 (VCV000142281.16), dbSNP rs587782357, ClinGen allele CA025241.

ClinVar aggregate classification (germline): Uncertain significance. Review status: criteria provided, multiple submitters, no conflicts (2 of 4 stars). 4 submissions from 4 submitters: Uncertain significance (4). Last evaluated 2024-08-19.

Conditions:
BRCA2-related cancer predisposition. Identifiers: MedGen CN377758, MONDO:0700269.
Hereditary cancer-predisposing syndrome. Also called: Neoplastic Syndromes, Hereditary; Tumor predisposition; Hereditary Cancer Syndrome; Hereditary neoplastic syndrome. Identifiers: Orphanet 140162, MedGen C0027672, MeSH D009386, MONDO:0015356.
Hereditary breast ovarian cancer syndrome. Also called: Breast and ovarian cancer; Hereditary breast and ovarian cancer; Hereditary breast and/or ovarian cancer syndrome; BRCA1- and BRCA2-Associated Hereditary Breast and Ovarian Cancer; Hereditary breast and ovarian cancer syndrome; Hereditary breast and ovarian cancer syndrome (HBOC). Identifiers: Orphanet 145, MedGen C0677776, MeSH D061325, MONDO:0003582. Disease mechanism: loss of function.

Allele frequency attached by ClinVar (database versions not stated): gnomAD exomes below 0.00001; ExAC 0.00001.
gnomAD v4.1: 2 of 1,611,978 alleles (0.00012%); highest among the groups gnomAD compares: Non-Finnish European, 0.00017%; no homozygotes.

Submissions (4):

Department of Pathology and Laboratory Medicine, Sinai Health System
Classification: Uncertain significance for BRCA2-related cancer predisposition. Last evaluated: 2024-08-19. Review status: criteria provided, single submitter. Criteria: ACMG Guidelines, 2015. Collection method: clinical testing. Allele origin: germline.

Ambry Genetics
Classification: Uncertain significance for Hereditary cancer-predisposing syndrome. Last evaluated: 2023-10-11. Review status: criteria provided, single submitter. Criteria: Ambry Variant Classification Scheme 2023. Collection method: clinical testing. Allele origin: germline.
Comment: The p.N257T variant (also known as c.770A>C), located in coding exon 8 of the BRCA2 gene, results from an A to C substitution at nucleotide position 770. The asparagine at codon 257 is replaced by threonine, an amino acid with similar properties. This amino acid position is not well conserved in available vertebrate species. In addition, this alteration is predicted to be tolerated by in silico analysis. Since supporting evidence is limited at this time, the clinical significance of this alteration remains unclear.

Labcorp Genetics (formerly Invitae), Labcorp
Classification: Uncertain significance for Hereditary breast ovarian cancer syndrome. Last evaluated: 2021-08-24. Review status: criteria provided, single submitter. Criteria: Invitae Variant Classification Sherloc (09022015). Collection method: clinical testing. Allele origin: germline.
Comment: This sequence change replaces asparagine with threonine at codon 257 of the BRCA2 protein (p.Asn257Thr). The asparagine residue is moderately conserved and there is a small physicochemical difference between asparagine and threonine. This variant is present in population databases (rs587782357, ExAC 0.002%). This variant has not been reported in the literature in individuals with BRCA2-related conditions. Algorithms developed to predict the effect of missense changes on protein structure and function output the following: SIFT: "Tolerated"; PolyPhen-2: "Benign"; Align-GVGD: "Class C0". The threonine amino acid residue is found in multiple mammalian species, suggesting that this missense change does not adversely affect protein function. These predictions have not been confirmed by published functional studies and their clinical significance is uncertain. In summary, the available evidence is currently insufficient to determine the role of this variant in disease. Therefore, it has been classified as a Variant of Uncertain Significance.

Color Diagnostics, LLC DBA Color Health
Classification: Uncertain significance for Hereditary cancer-predisposing syndrome. Last evaluated: 2019-05-31. Review status: criteria provided, single submitter. Criteria: ACMG Guidelines, 2015. Collection method: clinical testing. Allele origin: germline.